The following is an entry in ClinVar:

NM_021978.4(ST14):c.1374G>A (p.Thr458=)

Gene: ST14 (ST14 transmembrane serine protease matriptase; plus strand). Cytogenetic location: 11q24.3.
Variant type: single nucleotide variant.
Coding change: c.1374G>A on transcript NM_021978.4 (MANE Select); coding-DNA position 1374, G replaced by A.
Protein change: p.Thr458=; no amino-acid change (threonine 458 retained).
Molecular consequence: synonymous variant.
Genome position (GRCh38, 1-based): chr11:130,197,860, G>A. VCF-style: chr11-130197860-G-A. GRCh37 (hg19) VCF-style: chr11-130067755-G-A.
Identifiers: ClinVar variation 3905257 (VCV003905257.10).
Genomic context (GRCh38, chr11:130,197,860, plus strand): 5'-TGGGTGGGTGCTGGGGGCCTCAGGCCTGCCTGTGCCCGCAGCATGCCCGGGGCAGTTCAC[G>A]TGCCGCACGGGGCGGTGTATCCGGAAGGAGCTGCGCTGTGATGGCTGGGCCGACTGCACC-3'
Protein context (NP_068813.1, residues 448-468): DSSDPCPGQF[Thr458=]CRTGRCIRKE

ClinVar aggregate classification (germline): Likely benign (1 of 4 stars; one submission).

gnomAD v4.1: 44 of 1,586,398 alleles (0.0028%); highest among the groups gnomAD compares: African/African-American, 0.0054%; no homozygotes.

Submission:

CeGaT Center for Human Genetics Tuebingen
Classification: Likely benign. Last evaluated: 2025-05-01. Review status: criteria provided, single submitter. Criteria: CeGaT Center For Human Genetics Tuebingen Variant Classification Criteria Version 2. Collection method: clinical testing. Allele origin: germline. Affected: yes. Observed: 1 variant allele.
Comment: ST14: BP4, BP7